The following is an entry in ClinVar:

NM_033124.5(DRC2):c.805C>T (p.Gln269Ter)

Gene: DRC2 (dynein regulatory complex subunit 2; plus strand). Cytogenetic location: 12q13.12.
Variant type: single nucleotide variant.
Coding change: c.805C>T on transcript NM_033124.5 (MANE Select); coding-DNA position 805, C replaced by T.
Protein change: p.Gln269Ter; replaces glutamine 269 with a stop codon.
Molecular consequence: nonsense.
Genome position (GRCh38, 1-based): chr12:48,918,470, C>T. VCF-style: chr12-48918470-C-T. GRCh37 (hg19) VCF-style: chr12-49312253-C-T.
Other names: c.376C>T, p.Gln126Ter (NM_001286957.2); short protein forms Q126*, Q269*.
Identifiers: ClinVar variation 4789177 (VCV004789177.1).
Genomic context (GRCh38, chr12:48,918,470, plus strand): 5'-GTGAAGGATGAGAAGAGCTCCAAAGAGATTGAAGTACAGATGAAAAAAATACAGAAACTA[C>T]AGGTTAGTGTAGCCACCTGGAAATACTCACTGCTTTAACTGCTCTATTATCCCCTCTTTT-3'

ClinVar aggregate classification (germline): Pathogenic (1 of 4 stars; one submission).

Conditions:
Primary ciliary dyskinesia 27. Also called: CILIARY DYSKINESIA, PRIMARY, 27, WITHOUT SITUS INVERSUS. Identifiers: Orphanet 244, MedGen C3809701, MONDO:0014215, OMIM 615504.

gnomAD v4.1: 10 of 1,613,608 alleles (0.00062%); highest among the groups gnomAD compares: South Asian, 0.0099%; no homozygotes.

Submission:

Labcorp Genetics (formerly Invitae), Labcorp
Classification: Pathogenic for Primary ciliary dyskinesia 27. Last evaluated: 2025-06-27. Review status: criteria provided, single submitter. Criteria: Invitae Variant Classification Sherloc (09022015). Collection method: clinical testing. Allele origin: germline.
Comment: This sequence change creates a premature translational stop signal (p.Gln269*) in the CCDC65 gene. It is expected to result in an absent or disrupted protein product. Loss-of-function variants in CCDC65 are known to be pathogenic (PMID: 23991085, 24094744). This variant is present in population databases (rs748346015, gnomAD 0.01%). This variant has not been reported in the literature in individuals affected with CCDC65-related conditions. For these reasons, this variant has been classified as Pathogenic.

Literature cited by the submitters: PubMed 23991085; PubMed 24094744.